The following is an entry in ClinVar:

NM_021939.4(FKBP10):c.491C>T (p.Pro164Leu)

Gene: FKBP10 (FKBP prolyl isomerase 10; plus strand). Cytogenetic location: 17q21.2.
Variant type: single nucleotide variant.
Coding change: c.491C>T on transcript NM_021939.4 (MANE Select); coding-DNA position 491, C replaced by T.
Protein change: p.Pro164Leu; replaces proline 164 with leucine.
Molecular consequence: missense variant.
Genome position (GRCh38, 1-based): chr17:41,818,188, C>T. VCF-style: chr17-41818188-C-T. GRCh37 (hg19) VCF-style: chr17-39974440-C-T.
Other names: short protein forms P164L.
Identifiers: ClinVar variation 890441 (VCV000890441.12), dbSNP rs117897485, ClinGen allele CA8566254.

ClinVar aggregate classification (germline): Conflicting classifications of pathogenicity. Review status: criteria provided, conflicting classifications (1 of 4 stars). 3 submissions from 3 submitters: Uncertain significance (2); Likely benign (1). Last evaluated 2026-02-25.

Conditions:
Osteogenesis imperfecta type 11. Also called: Osteogenesis imperfecta, type XI; OI, TYPE XI. Identifiers: Orphanet 666, MedGen C3151218, MONDO:0012592, OMIM 610968.

Allele frequency attached by ClinVar (database versions not stated): TOPMed 0.00022; ExAC 0.00027; 1000 Genomes Project 0.00080; 1000 Genomes Project 30x 0.00062; gnomAD exomes 0.00023.

Submissions (3):

GeneDx
Classification: Uncertain significance. Last evaluated: 2026-02-25. Review status: criteria provided, single submitter. Criteria: GeneDx Variant Classification Process June 2021. Collection method: clinical testing. Allele origin: germline.
Comment: In silico analysis supports that this missense variant has a deleterious effect on protein structure/function; Has not been previously published as pathogenic or benign to our knowledge

Labcorp Genetics (formerly Invitae), Labcorp
Classification: Likely benign. Last evaluated: 2026-01-20. Review status: criteria provided, single submitter. Criteria: Invitae Variant Classification Sherloc (09022015). Collection method: clinical testing. Allele origin: germline.

Illumina Laboratory Services, Illumina
Classification: Uncertain significance for Osteogenesis imperfecta type 11. Last evaluated: 2018-01-12. Review status: criteria provided, single submitter. Criteria: ICSL Variant Classification Criteria 13 December 2019. Collection method: clinical testing. Allele origin: germline.